The following is an entry in ClinVar:

ClinVar aggregate classification (germline): Likely benign. Review status: criteria provided, single submitter (1 of 4 stars). 2 submissions from 2 submitters: Likely benign (1). 1 of the submissions does not count toward it. Last evaluated 2024-05-06.

Conditions:
ABCA2-related disorder. Also called: ABCA2-related condition.

Allele frequency attached by ClinVar (database versions not stated): gnomAD exomes 0.00004; 1000 Genomes Project 30x 0.00016; 1000 Genomes Project 0.00020; ExAC 0.00030; TOPMed 0.00035; gnomAD 0.00044; ESP Exome Variant Server 0.00063.
gnomAD v4.1: 121 of 1,581,156 alleles (0.0077%); highest among the groups gnomAD compares: African/African-American, 0.14%; no homozygotes.

Submissions (2):

Blueprint Genetics
Classification: Likely benign. Last evaluated: 2024-05-06. Review status: criteria provided, single submitter. Criteria: ACMG Guidelines, 2015. Collection method: clinical testing. Allele origin: germline.

PreventionGenetics, part of Exact Sciences
Classification: Likely benign for ABCA2-related condition. Last evaluated: 2022-02-09. Review status: no assertion criteria provided. Collection method: clinical testing. Allele origin: germline. Not counted in ClinVar's aggregate classification.
Comment: This variant is classified as likely benign based on ACMG/AMP sequence variant interpretation guidelines (Richards et al. 2015 PMID: 25741868, with internal and published modifications).

NM_001606.5(ABCA2):c.5535+3G>A

Gene: ABCA2 (ATP binding cassette subfamily A member 2; minus strand). Cytogenetic location: 9q34.3.
Variant type: single nucleotide variant.
Coding change: c.5535+3G>A on transcript NM_001606.5 (MANE Select); 3 bases into the intron after coding-DNA position 5535, G replaced by A.
Molecular consequence: intron variant.
Genome position (GRCh38, 1-based): chr9:137,011,841, C>T on the plus strand (G>A on the coding strand, the complement: ABCA2 is on the minus strand). VCF-style: chr9-137011841-C-T. GRCh37 (hg19) VCF-style: chr9-139906293-C-T.
Other names: c.5625+3G>A (NM_212533.3); c.5532+3G>A (NM_001411042.1).
Identifiers: ClinVar variation 3045144 (VCV003045144.3), dbSNP rs200870904, ClinGen allele CA5353976.